The following is an entry in ClinVar:

ClinVar aggregate classification (germline): Uncertain significance. Review status: criteria provided, multiple submitters, no conflicts (2 of 4 stars). 2 submissions from 2 submitters: Uncertain significance (2). Last evaluated 2025-10-14.

Conditions:
Hereditary cancer-predisposing syndrome. Also called: Hereditary neoplastic syndrome; Hereditary Cancer Syndrome; Neoplastic Syndromes, Hereditary; Tumor predisposition. Identifiers: Orphanet 140162, MedGen C0027672, MeSH D009386, MONDO:0015356.
Ataxia-telangiectasia syndrome (AT). Also called: Cerebello-oculocutaneous telangiectasia; Immunodeficiency with ataxia telangiectasia; Ataxia telangiectasia (A-T); Ataxia-telangiectasia, complementation group E; LOUIS-BAR SYNDROME; Ataxia-telangiectasia, complementation group D. Identifiers: Orphanet 100, MedGen C0004135, MONDO:0008840, OMIM 208900.

Submissions (2):

Labcorp Genetics (formerly Invitae), Labcorp
Classification: Uncertain significance for Ataxia-telangiectasia syndrome. Last evaluated: 2025-10-14. Review status: criteria provided, single submitter. Criteria: Invitae Variant Classification Sherloc (09022015). Collection method: clinical testing. Allele origin: germline.
Comment: This sequence change replaces methionine, which is neutral and non-polar, with valine, which is neutral and non-polar, at codon 779 of the ATM protein (p.Met779Val). This variant is not present in population databases (gnomAD no frequency). This variant has not been reported in the literature in individuals affected with ATM-related conditions. ClinVar contains an entry for this variant (Variation ID: 2738715). Invitae Evidence Modeling of protein sequence and biophysical properties (such as structural, functional, and spatial information, amino acid conservation, physicochemical variation, residue mobility, and thermodynamic stability) indicates that this missense variant is not expected to disrupt ATM protein function with a negative predictive value of 95%. In summary, the available evidence is currently insufficient to determine the role of this variant in disease. Therefore, it has been classified as a Variant of Uncertain Significance.

Ambry Genetics
Classification: Uncertain significance for Hereditary cancer-predisposing syndrome. Last evaluated: 2025-10-03. Review status: criteria provided, single submitter. Criteria: Ambry Variant Classification Scheme 2023. Collection method: clinical testing. Allele origin: germline.
Comment: The p.M779V variant (also known as c.2335A>G), located in coding exon 14 of the ATM gene, results from an A to G substitution at nucleotide position 2335. The methionine at codon 779 is replaced by valine, an amino acid with highly similar properties. This amino acid position is conserved. In addition, this alteration is predicted to be tolerated by in silico analysis. Based on the available evidence, the clinical significance of this variant remains unclear.

NM_000051.4(ATM):c.2335A>G (p.Met779Val)

Gene: ATM (ATM serine/threonine kinase; plus strand). Cytogenetic location: 11q22.3.
Variant type: single nucleotide variant.
Coding change: c.2335A>G on transcript NM_000051.4 (MANE Select); coding-DNA position 2335, A replaced by G.
Protein change: p.Met779Val; replaces methionine 779 with valine.
Molecular consequence: missense variant.
Genome position (GRCh38, 1-based): chr11:108,257,565, A>G. VCF-style: chr11-108257565-A-G. GRCh37 (hg19) VCF-style: chr11-108128292-A-G.
Other names: c.2335A>G, p.Met779Val (NM_001351834.2); short protein forms M779V.
Identifiers: ClinVar variation 2738715 (VCV002738715.4), dbSNP rs2135407420, ClinGen allele CA382540089.